The following is an entry in ClinVar:

ClinVar aggregate classification (germline): Pathogenic/Likely pathogenic. Review status: criteria provided, multiple submitters, no conflicts (2 of 4 stars). 6 submissions from 6 submitters: Pathogenic (1); Likely pathogenic (3). 2 of the submissions do not count toward it. Last evaluated 2022-03-18.

Conditions:
Tubulinopathy. Also called: Tubulinopathies. Identifiers: MedGen CN850169, MONDO:0100153.
Corpus callosum, agenesis of. Also called: Corpus callosum agenesis; Mental retardation hypoplastic corpus callosum preauricular tag; Da silva syndrome; Agenesis of the corpus callosum; Isolated corpus callosum agenesis. Identifiers: Orphanet 200, MedGen C0175754, MONDO:0009022, OMIM 217990, HP:0001274.
Cryptorchidism. Also called: Undescended testes; undescended testicle. Identifiers: MedGen C0010417, MONDO:0009047, OMIM 219050, HP:0000028.
Lissencephaly. Also called: Lissencephaly spectrum disorders. Identifiers: Orphanet 48471, MedGen C0266463, MeSH D054082, MONDO:0018838, HP:0001339.
Lissencephaly due to TUBA1A mutation (CDCBM16). Also called: CORTICAL DYSPLASIA, COMPLEX, WITH OTHER BRAIN MALFORMATIONS 16; Lissencephaly 3. Identifiers: Orphanet 171680, MedGen C4305153, MONDO:0012703, OMIM 611603.

Submissions (6):

Fulgent Genetics
Classification: Likely pathogenic for Lissencephaly due to TUBA1A mutation. Last evaluated: 2022-03-18. Review status: criteria provided, single submitter. Criteria: ACMG Guidelines, 2015. Collection method: clinical testing. Allele origin: unknown.

Labcorp Genetics (formerly Invitae), Labcorp
Classification: Likely pathogenic. Last evaluated: 2021-01-29. Review status: criteria provided, single submitter. Criteria: Invitae Variant Classification Sherloc (09022015). Collection method: clinical testing. Allele origin: germline.
Comment: This variant has been observed in individual(s) with cortical malformations (PMID: 24860126, 32581362, Invitae). In at least one individual the variant was observed to be de novo. ClinVar contains an entry for this variant (Variation ID: 208490). In summary, the currently available evidence indicates that the variant is pathogenic, but additional data are needed to prove that conclusively. Therefore, this variant has been classified as Likely Pathogenic. This variant disrupts the p.Val409 amino acid residue in TUBA1A. Other variant(s) that disrupt this residue have been observed in individuals with TUBA1A-related conditions (PMID: 24860126), which suggests that this may be a clinically significant amino acid residue. Algorithms developed to predict the effect of missense changes on protein structure and function (SIFT, PolyPhen-2, Align-GVGD) all suggest that this variant is likely to be disruptive, but these predictions have not been confirmed by published functional studies and their clinical significance is uncertain. This variant is not present in population databases (ExAC no frequency). This sequence change replaces valine with alanine at codon 409 of the TUBA1A protein (p.Val409Ala). The valine residue is highly conserved and there is a small physicochemical difference between valine and alanine.

Institute of Human Genetics, FAU Erlangen, Friedrich-Alexander-Universität Erlangen-Nürnberg
Classification: Pathogenic for Tubulinopathies. Last evaluated: 2018-07-01. Review status: criteria provided, single submitter. Criteria: ACMG Guidelines, 2015. Collection method: literature only. Allele origin: de novo. Affected: yes. Observed: 1 variant allele.
Comment: The c.1226T>C, p.(Val409Ala) variant has been reported as a variant of de novo origin. This variant and associated phenotype was previously reported by Bahi-Buisson et al. Brain, 2014 PMID: 24860126. Agyria-pachygyria (HP:0031883, HP:0001302); Cerebellar vermis hypoplasia (HP:0001320); Hypoplasia of the brainstem (HP:0002365); Cerebellar hypoplasia (HP:0001321); no Congenital microcephaly (-HP:0011451)

GeneDx
Classification: Likely pathogenic. Last evaluated: 2018-03-29. Review status: criteria provided, single submitter. Criteria: GeneDx Variant Classification (06012015). Collection method: clinical testing. Allele origin: germline. Affected: yes.
Comment: A variant that is likely pathogenic has been identified in the TUBA1A gene. The V409A variant has been reported previously as a de novo variant in a pregnancy with severe lissencephaly and cerebellar hypoplasia; however, functional characterization of the variant was not completed (Bahi-Buisson et al., 2014). The V409A variant is not observed in large population cohorts (Lek et al., 2016; 1000 Genomes Consortium et al., 2015; Exome Variant Server). The V409A variant is a conservative amino acid substitution, which is not likely to impact secondary protein structure as these residues share similar properties. However, this substitution occurs at a position that is conserved across species, and in silico analysis predicts this variant is probably damaging to the protein structure/function. Furthermore, a missense variant in the same residue (V409I) has been reported in association with a TUBA1A-related disorder (Bahi-Buisson et al., 2014). Therefore, this variant is likely pathogenic; however, the possibility that it is benign cannot be excluded.

Mendelics
Classification: Pathogenic for Lissencephaly 3. Last evaluated: 2014-07-01. Review status: no assertion criteria provided. Collection method: clinical testing. Allele origin: de novo. Affected: yes. Not counted in ClinVar's aggregate classification.

NIHR Bioresource Rare Diseases, University of Cambridge
Classification: Pathogenic for Cryptorchidism; Corpus callosum, agenesis of; Lissencephaly. Review status: no assertion criteria provided. Collection method: research. Allele origin: unknown. Affected: yes. Observed: 1 variant allele. Not counted in ClinVar's aggregate classification.

Literature cited by the submitters: PubMed 24860126 (cited by Labcorp Genetics (formerly Invitae), Labcorp); PubMed 32581362 (cited by Labcorp Genetics (formerly Invitae), Labcorp and NIHR Bioresource Rare Diseases, University of Cambridge); PubMed 30744660 (cited by Institute of Human Genetics, FAU Erlangen, Friedrich-Alexander-Universität Erlangen-Nürnberg); DOI 10.1101/427948 (cited by Institute of Human Genetics, FAU Erlangen, Friedrich-Alexander-Universität Erlangen-Nürnberg); PubMed 18954413 (cited by Mendelics).

NM_006009.4(TUBA1A):c.1226T>C (p.Val409Ala)

Gene: TUBA1A (tubulin alpha 1a; minus strand). Cytogenetic location: 12q13.12.
Variant type: single nucleotide variant.
Coding change: c.1226T>C on transcript NM_006009.4 (MANE Select); coding-DNA position 1226, T replaced by C.
Protein change: p.Val409Ala; replaces valine 409 with alanine.
Molecular consequence: missense variant.
Genome position (GRCh38, 1-based): chr12:49,185,140, A>G on the plus strand (T>C on the coding strand, the complement: TUBA1A is on the minus strand). VCF-style: chr12-49185140-A-G. GRCh37 (hg19) VCF-style: chr12-49578923-A-G.
Other names: c.1226T>C, p.Val409Ala (NM_001270399.2); c.1121T>C, p.Val374Ala (NM_001270400.2); short protein forms V409A, V374A.
Identifiers: ClinVar variation 208490 (VCV000208490.12), dbSNP rs797045005, ClinGen allele CA213316.